The following is an entry in ClinVar:

NM_001042492.3(NF1):c.4621del (p.Thr1541fs)

Gene: NF1 (neurofibromin 1; plus strand). Cytogenetic location: 17q11.2.
Variant type: Deletion.
Coding change: c.4621del on transcript NM_001042492.3 (MANE Select); coding-DNA position 4621, one base deleted (A; older notation c.4621delA).
Protein change: p.Thr1541fs; shifts the reading frame from threonine 1541.
Molecular consequence: frameshift variant.
Genome position (GRCh38, 1-based): chr17:31,261,754, A deleted; the last of 2 consecutive A bases (chr17:31,261,753-31,261,754); deleting either gives the same sequence. VCF-style (leftmost placement, unchanged base first): chr17-31261752-CA-C. GRCh37 (hg19) VCF-style: chr17-29588770-CA-C.
Other names: c.4558delA, p.Thr1520Hisfs (NM_000267.4); short protein forms T1520fs, T1541fs.
Identifiers: ClinVar variation 689358 (VCV000689358.1), dbSNP rs1597748749, ClinGen allele CA915949664.

ClinVar aggregate classification (germline): Likely pathogenic (1 of 4 stars; one submission).

Conditions:
Hereditary cancer-predisposing syndrome. Also called: Neoplastic Syndromes, Hereditary; Tumor predisposition; Hereditary neoplastic syndrome; Hereditary Cancer Syndrome. Identifiers: Orphanet 140162, MedGen C0027672, MeSH D009386, MONDO:0015356.

Submission:

Academic Department of Medical Genetics, University of Cambridge
Classification: Likely pathogenic for Hereditary cancer-predisposing syndrome. Last evaluated: 2018-01-26. Review status: criteria provided, single submitter. Criteria: ACMG Guidelines, 2015. Collection method: research. Allele origin: germline. Affected: yes. Observed: 1 heterozygote.
Comment: Application of AMCG guidelines 2015. Used other ClinVar submission evidence where relevant. Loss of heterozygosity in tumours or immunohistochemistry abnormalities considered functional evidence of pathogenicity.

Identified as part of research study of individuals with multiple primary tumours referred for genetic assessment